The following is an entry in ClinVar:

NM_001267550.2(TTN):c.32312-1G>A

Gene: TTN (titin; minus strand). Cytogenetic location: 2q31.2.
Variant type: single nucleotide variant.
Coding change: c.32312-1G>A on transcript NM_001267550.2 (MANE Select); the canonical splice acceptor site of the intron before coding-DNA position 32312, G replaced by A.
Molecular consequence: splice acceptor variant. On other transcripts: intron variant (3).
Genome position (GRCh38, 1-based): chr2:178,685,599, C>T on the plus strand (G>A on the coding strand, the complement: TTN is on the minus strand). VCF-style: chr2-178685599-C-T. GRCh37 (hg19) VCF-style: chr2-179550326-C-T.
Other names: c.13283-43282G>A (NM_003319.4); c.13859-43282G>A (NM_133437.4); c.13658-43282G>A (NM_133432.3); c.28580-1G>A (NM_133378.4); c.31361-1G>A (NM_001256850.1).
Identifiers: ClinVar variation 870628 (VCV000870628.3), dbSNP rs2070649864, ClinGen allele CA349549698.

ClinVar aggregate classification (germline): Pathogenic/Likely pathogenic. Review status: criteria provided, multiple submitters, no conflicts (2 of 4 stars). 2 submissions from 2 submitters: Pathogenic (1); Likely pathogenic (1). Last evaluated 2024-03-01.

Conditions:
Centronuclear myopathy (CNM). Also called: Centronuclear myopathy, congenital; Myotubular myopathy. Identifiers: Orphanet 595, MedGen C0175709, MONDO:0018947. Inheritance: All.

Submissions (2):

Muscle and Diseases Team, Institut de Génétique et Biologie Moléculaire et Cellulaire
Classification: Likely pathogenic for Centronuclear myopathy. Last evaluated: 2024-03-01. Review status: criteria provided, single submitter. Criteria: ACMG Guidelines, 2015. Collection method: research. Allele origin: paternal. Affected: yes. Observed: 1 variant allele.
Comment: PVS1_Moderate+PM2+PM3+PP1

Pediatric Department, Peking University First Hospital
Classification: Pathogenic for Centronuclear myopathy. Last evaluated: 2020-04-11. Review status: criteria provided, single submitter. Criteria: ACMG Guidelines, 2015. Collection method: provider interpretation. Allele origin: maternal. Affected: yes.

Literature cited by the submitters: DOI 10.1186/s13073-024-01353-0 (cited by Muscle and Diseases Team, Institut de Génétique et Biologie Moléculaire et Cellulaire); PubMed 30192042 (cited by Muscle and Diseases Team, Institut de Génétique et Biologie Moléculaire et Cellulaire).